The following is an entry in ClinVar:

ClinVar aggregate classification (germline): Uncertain significance (1 of 4 stars; one submission).

Submission:

Labcorp Genetics (formerly Invitae), Labcorp
Classification: Uncertain significance. Last evaluated: 2025-10-11. Review status: criteria provided, single submitter. Criteria: Invitae Variant Classification Sherloc (09022015). Collection method: clinical testing. Allele origin: germline.
Comment: This sequence change replaces alanine, which is neutral and non-polar, with serine, which is neutral and polar, at codon 914 of the LONP1 protein (p.Ala914Ser). This variant is not present in population databases (gnomAD no frequency). This variant has not been reported in the literature in individuals affected with LONP1-related conditions. Invitae Evidence Modeling of protein sequence and biophysical properties (such as structural, functional, and spatial information, amino acid conservation, physicochemical variation, residue mobility, and thermodynamic stability) indicates that this missense variant is not expected to disrupt LONP1 protein function with a negative predictive value of 95%. In summary, the available evidence is currently insufficient to determine the role of this variant in disease. Therefore, it has been classified as a Variant of Uncertain Significance.

NM_004793.4(LONP1):c.2740G>T (p.Ala914Ser)

Gene: LONP1 (lon peptidase 1, mitochondrial; minus strand). Cytogenetic location: 19p13.3.
Variant type: single nucleotide variant.
Coding change: c.2740G>T on transcript NM_004793.4 (MANE Select); coding-DNA position 2740, G replaced by T.
Protein change: p.Ala914Ser; replaces alanine 914 with serine.
Molecular consequence: missense variant. On other transcripts: non-coding transcript variant (1).
Genome position (GRCh38, 1-based): chr19:5,692,172, C>A on the plus strand (G>T on the coding strand, the complement: LONP1 is on the minus strand). VCF-style: chr19-5692172-C-A. GRCh37 (hg19) VCF-style: chr19-5692183-C-A.
Other names: c.2548G>T, p.Ala850Ser (NM_001276479.2); c.2152G>T, p.Ala718Ser (NM_001276480.1); short protein forms A718S, A850S, A914S.
Identifiers: ClinVar variation 4809823 (VCV004809823.1).